The following is an entry in ClinVar:

ClinVar aggregate classification (germline): Likely benign. Review status: criteria provided, multiple submitters, no conflicts (2 of 4 stars). 2 submissions from 2 submitters: Likely benign (2). Last evaluated 2024-10-08.

Conditions:
Familial cancer of breast. Also called: Hereditary breast cancer; BREAST CANCER, FAMILIAL; hereditary breast carcinoma. Identifiers: Orphanet 227535, MedGen C0346153, MONDO:0016419, OMIM 114480. Disease mechanism: loss of function.

Submissions (2):

Myriad Genetics, Inc.
Classification: Likely benign for Familial cancer of breast. Last evaluated: 2024-10-08. Review status: criteria provided, single submitter. Criteria: Myriad Autosomal Dominant, Autosomal Recessive and X-Linked Classification Criteria (2023). Collection method: clinical testing. Allele origin: unknown.
Comment: This variant is considered likely benign. This variant is intronic and is not expected to impact mRNA splicing.

Labcorp Genetics (formerly Invitae), Labcorp
Classification: Likely benign for Familial cancer of breast. Last evaluated: 2023-10-04. Review status: criteria provided, single submitter. Criteria: Invitae Variant Classification Sherloc (09022015). Collection method: clinical testing. Allele origin: germline.

NM_007194.4(CHEK2):c.1543-7T>C

Gene: CHEK2 (checkpoint kinase 2; minus strand). Cytogenetic location: 22q12.1.
Variant type: single nucleotide variant.
Coding change: c.1543-7T>C on transcript NM_007194.4 (MANE Select); 7 bases into the intron before coding-DNA position 1543, T replaced by C.
Molecular consequence: intron variant.
Genome position (GRCh38, 1-based): chr22:28,687,993, A>G on the plus strand (T>C on the coding strand, the complement: CHEK2 is on the minus strand). VCF-style: chr22-28687993-A-G. GRCh37 (hg19) VCF-style: chr22-29083981-A-G.
Other names: c.880-7T>C (NM_001437942.1, NM_001257387.3); c.1342-7T>C (NM_001349956.3); c.1456-7T>C (NM_145862.3); c.1549-7T>C (NM_001438295.1); c.1636-7T>C (NM_001438293.1); c.1585-7T>C (NM_001438294.1); c.1672-7T>C (NM_001005735.3).
Identifiers: ClinVar variation 2718594 (VCV002718594.4), dbSNP rs2145739730, ClinGen allele CA2577675802.